The following is an entry in ClinVar:

ClinVar aggregate classification (germline): Likely benign. Review status: criteria provided, multiple submitters, no conflicts (2 of 4 stars). 3 submissions from 3 submitters: Likely benign (3). Last evaluated 2025-11-03.

Conditions:
Congenital myasthenic syndrome 8. Also called: MYASTHENIC SYNDROME, CONGENITAL, DUE TO AGRIN DEFICIENCY; Myasthenic syndrome, congenital, 8, with pre- and postsynaptic defects. Identifiers: Orphanet 590, MedGen C3808739, MONDO:0014052, OMIM 615120.

Allele frequency attached by ClinVar (database versions not stated): gnomAD 0.00012 and 0.00014; gnomAD exomes 0.00019 and 0.00022; TOPMed 0.00019; ExAC 0.00021; ESP Exome Variant Server 0.00031.

Submissions (3):

Labcorp Genetics (formerly Invitae), Labcorp
Classification: Likely benign for Congenital myasthenic syndrome 8. Last evaluated: 2025-11-03. Review status: criteria provided, single submitter. Criteria: Invitae Variant Classification Sherloc (09022015). Collection method: clinical testing. Allele origin: germline.

Revvity Omics, Revvity
Classification: Likely benign for Congenital myasthenic syndrome 8. Last evaluated: 2024-12-24. Review status: criteria provided, single submitter. Criteria: ACMG Guidelines, 2015. Collection method: clinical testing. Allele origin: germline.

CeGaT Center for Human Genetics Tuebingen
Classification: Likely benign. Last evaluated: 2022-07-01. Review status: criteria provided, single submitter. Criteria: CeGaT Center For Human Genetics Tuebingen Variant Classification Criteria Version 2. Collection method: clinical testing. Allele origin: germline. Affected: yes. Observed: 1 variant allele.
Comment: AGRN: BP4, BP7

NM_198576.4(AGRN):c.1557C>T (p.Ala519=)

Gene: AGRN (agrin; plus strand). Cytogenetic location: 1p36.33.
Variant type: single nucleotide variant.
Coding change: c.1557C>T on transcript NM_198576.4 (MANE Select); coding-DNA position 1557, C replaced by T.
Protein change: p.Ala519=; no amino-acid change (alanine 519 retained).
Molecular consequence: synonymous variant.
Genome position (GRCh38, 1-based): chr1:1,043,411, C>T. VCF-style: chr1-1043411-C-T. GRCh37 (hg19) VCF-style: chr1-978791-C-T.
Other names: c.1557C>T, p.Ala519= (NM_001305275.2); c.1242C>T, p.Ala414= (NM_001364727.2).
Identifiers: ClinVar variation 541213 (VCV000541213.38), dbSNP rs146185843, ClinGen allele CA508224.